The following is an entry in ClinVar:

NM_001466.4(FZD2):c.998T>C (p.Met333Thr)

Gene: FZD2 (frizzled class receptor 2; plus strand). Cytogenetic location: 17q21.31.
Variant type: single nucleotide variant.
Coding change: c.998T>C on transcript NM_001466.4 (MANE Select); coding-DNA position 998, T replaced by C.
Protein change: p.Met333Thr; replaces methionine 333 with threonine.
Molecular consequence: missense variant.
Genome position (GRCh38, 1-based): chr17:44,558,686, T>C. VCF-style: chr17-44558686-T-C. GRCh37 (hg19) VCF-style: chr17-42636054-T-C.
Other names: short protein forms M333T.
Identifiers: ClinVar variation 4777534 (VCV004777534.1).

ClinVar aggregate classification (germline): Uncertain significance (1 of 4 stars; one submission).

Submission:

Labcorp Genetics (formerly Invitae), Labcorp
Classification: Uncertain significance. Last evaluated: 2025-07-04. Review status: criteria provided, single submitter. Criteria: Invitae Variant Classification Sherloc (09022015). Collection method: clinical testing. Allele origin: germline.
Comment: This sequence change replaces methionine, which is neutral and non-polar, with threonine, which is neutral and polar, at codon 333 of the FZD2 protein (p.Met333Thr). This variant is not present in population databases (gnomAD no frequency). This variant has not been reported in the literature in individuals affected with FZD2-related conditions. Invitae Evidence Modeling of protein sequence and biophysical properties (such as structural, functional, and spatial information, amino acid conservation, physicochemical variation, residue mobility, and thermodynamic stability) indicates that this missense variant is not expected to disrupt FZD2 protein function with a negative predictive value of 80%. In summary, the available evidence is currently insufficient to determine the role of this variant in disease. Therefore, it has been classified as a Variant of Uncertain Significance.